The following is an entry in ClinVar:

NM_003482.4(KMT2D):c.3907G>T (p.Gly1303Cys)

Genes: KMT2D (lysine methyltransferase 2D; minus strand), LOC126861520 (CDK7 strongly-dependent group 2 enhancer GRCh37_chr12:49442744-49443943; plus strand). Cytogenetic location: 12q13.12.
Variant type: single nucleotide variant.
Coding change: c.3907G>T on transcript NM_003482.4 (MANE Select); coding-DNA position 3907, G replaced by T.
Protein change: p.Gly1303Cys; replaces glycine 1303 with cysteine.
Molecular consequence: missense variant.
Genome position (GRCh38, 1-based): chr12:49,049,218, C>A on the plus strand (G>T on the coding strand, the complement: KMT2D is on the minus strand). VCF-style: chr12-49049218-C-A. GRCh37 (hg19) VCF-style: chr12-49443001-C-A.
Other names: short protein forms G1303C.
Identifiers: ClinVar variation 1198423 (VCV001198423.9), dbSNP rs1412482088, ClinGen allele CA384652129.

ClinVar aggregate classification (germline): Conflicting classifications of pathogenicity. Review status: criteria provided, conflicting classifications (1 of 4 stars). 4 submissions from 4 submitters: Uncertain significance (3); Likely benign (1). Last evaluated 2025-07-01.

Conditions:
Inborn genetic diseases. Identifiers: MedGen C0950123, MeSH D030342.
Kabuki syndrome. Also called: NIIKAWA-KUROKI SYNDROME; Kabuki make-up syndrome. Identifiers: Orphanet 2322, MedGen C0796004, MONDO:0016512.

Allele frequency attached by ClinVar (database versions not stated): gnomAD exomes below 0.00001; gnomAD 0.00001.
gnomAD v4.1: 4 of 1,589,250 alleles (0.00025%); highest among the groups gnomAD compares: Non-Finnish European, 0.000086%; no homozygotes.

Submissions (4):

Women's Health and Genetics/Laboratory Corporation of America, LabCorp
Classification: Uncertain significance. Last evaluated: 2025-07-01. Review status: criteria provided, single submitter. Criteria: LabCorp Variant Classification Summary - May 2015. Collection method: clinical testing. Allele origin: germline.
Comment: Variant summary: KMT2D c.3907G>T (p.Gly1303Cys) results in a non-conservative amino acid change in the encoded protein sequence. Algorithms developed to predict the effect of missense changes on protein structure and function all suggest that this variant is likely to be disruptive. The frequency data for this variant in gnomAD is considered unreliable, as metrics indicate poor data quality at this position. To our knowledge, no occurrence of c.3907G>T in individuals affected with Kabuki Syndrome 1 and no experimental evidence demonstrating its impact on protein function have been reported. ClinVar contains an entry for this variant (Variation ID: 1198423). Based on the evidence outlined above, the variant was classified as uncertain significance.

Ambry Genetics
Classification: Likely benign for Inborn genetic diseases. Last evaluated: 2025-05-14. Review status: criteria provided, single submitter. Criteria: Ambry Variant Classification Scheme 2023. Collection method: clinical testing. Allele origin: germline.

GeneDx
Classification: Uncertain significance. Last evaluated: 2025-03-25. Review status: criteria provided, single submitter. Criteria: GeneDx Variant Classification Process June 2021. Collection method: clinical testing. Allele origin: germline. Affected: yes.
Comment: In silico analysis supports that this missense variant has a deleterious effect on protein structure/function; Has not been previously published as pathogenic or benign to our knowledge

Labcorp Genetics (formerly Invitae), Labcorp
Classification: Uncertain significance for Kabuki syndrome. Last evaluated: 2024-09-16. Review status: criteria provided, single submitter. Criteria: Invitae Variant Classification Sherloc (09022015). Collection method: clinical testing. Allele origin: germline.
Comment: This sequence change replaces glycine, which is neutral and non-polar, with cysteine, which is neutral and slightly polar, at codon 1303 of the KMT2D protein (p.Gly1303Cys). The frequency data for this variant in the population databases is considered unreliable, as metrics indicate poor data quality at this position in the gnomAD database. This variant has not been reported in the literature in individuals affected with KMT2D-related conditions. ClinVar contains an entry for this variant (Variation ID: 1198423). An algorithm developed to predict the effect of missense changes on protein structure and function (PolyPhen-2) suggests that this variant is likely to be disruptive. In summary, the available evidence is currently insufficient to determine the role of this variant in disease. Therefore, it has been classified as a Variant of Uncertain Significance.